The following is an entry in ClinVar:

ClinVar aggregate classification (germline): Uncertain significance (1 of 4 stars; one submission).

Conditions:
Autosomal recessive polycystic kidney disease (ARPKD). Also called: AR polycystic kidney disease. Identifiers: Orphanet 731, Orphanet 8378, MedGen C0085548, MeSH D017044, MONDO:0009889.

Allele frequency attached by ClinVar (database versions not stated): gnomAD exomes below 0.00001; ExAC 0.00001; gnomAD 0.00001; TOPMed 0.00003.
gnomAD v4.1: 8 of 1,612,384 alleles (0.0005%); highest among the groups gnomAD compares: African/African-American, 0.0027%; no homozygotes.

Submission:

Labcorp Genetics (formerly Invitae), Labcorp
Classification: Uncertain significance for Autosomal recessive polycystic kidney disease. Last evaluated: 2025-04-20. Review status: criteria provided, single submitter. Criteria: Invitae Variant Classification Sherloc (09022015). Collection method: clinical testing. Allele origin: germline.
Comment: This sequence change replaces valine, which is neutral and non-polar, with isoleucine, which is neutral and non-polar, at codon 139 of the PKHD1 protein (p.Val139Ile). This variant is present in population databases (rs747975201, gnomAD 0.0009%). This variant has not been reported in the literature in individuals affected with PKHD1-related conditions. ClinVar contains an entry for this variant (Variation ID: 2725873). Invitae Evidence Modeling of protein sequence and biophysical properties (such as structural, functional, and spatial information, amino acid conservation, physicochemical variation, residue mobility, and thermodynamic stability) indicates that this missense variant is not expected to disrupt PKHD1 protein function with a negative predictive value of 95%. In summary, the available evidence is currently insufficient to determine the role of this variant in disease. Therefore, it has been classified as a Variant of Uncertain Significance.

NM_138694.4(PKHD1):c.415G>A (p.Val139Ile)

Gene: PKHD1 (PKHD1 ciliary IPT domain containing fibrocystin/polyductin; minus strand). Cytogenetic location: 6p12.2.
Variant type: single nucleotide variant.
Coding change: c.415G>A on transcript NM_138694.4 (MANE Select); coding-DNA position 415, G replaced by A.
Protein change: p.Val139Ile; replaces valine 139 with isoleucine.
Molecular consequence: missense variant.
Genome position (GRCh38, 1-based): chr6:52,076,309, C>T on the plus strand (G>A on the coding strand, the complement: PKHD1 is on the minus strand). VCF-style: chr6-52076309-C-T. GRCh37 (hg19) VCF-style: chr6-51941107-C-T.
Other names: c.415G>A, p.Val139Ile (NM_170724.3); short protein forms V139I.
Identifiers: ClinVar variation 2725873 (VCV002725873.3), dbSNP rs747975201, ClinGen allele CA3853936.
Genomic context (GRCh38, chr6:52,076,309, plus strand): 5'-TTCCTATTTTAATAGAAGATTTCTTACCTGGAACACCACTTGGTGGATAAACTTGGTGAA[C>T]GATGGGTGTCTGCGCCTTGGAAAACTGTTTAGAAAATAGTACCACAAGTGAGCATGTCAT-3'
Protein context (NP_619639.3, residues 129-149): FKFSKAQTPI[Val139Ile]HQVYPPSGVP